The following is an entry in ClinVar:

ClinVar aggregate classification (germline): Conflicting classifications of pathogenicity. Review status: criteria provided, conflicting classifications (1 of 4 stars). 5 submissions from 5 submitters: Uncertain significance (4); Likely benign (1). Last evaluated 2025-08-07.

Conditions:
Marfan syndrome (MFS). Also called: Marfan syndrome, classic; Marfan syndrome type 1; Marfan's syndrome; FBN1-Related Marfan Syndrome; MARFAN SYNDROME, TYPE I. Identifiers: Orphanet 284963, Orphanet 558, MedGen C0024796, MONDO:0007947, OMIM 154700.
Familial thoracic aortic aneurysm and aortic dissection (TAAD). Also called: Thoracic aortic aneurysms and dissections. Identifiers: Orphanet 91387, MedGen C4707243, MONDO:0019625.

Allele frequency attached by ClinVar (database versions not stated): gnomAD exomes below 0.00001; TOPMed below 0.00001.
gnomAD v4.1: 7 of 1,613,514 alleles (0.00043%); highest among the groups gnomAD compares: Admixed American, 0.0017%; no homozygotes.

Submissions (5):

Labcorp Genetics (formerly Invitae), Labcorp
Classification: Likely benign for Marfan syndrome; Familial thoracic aortic aneurysm and aortic dissection. Last evaluated: 2025-08-07. Review status: criteria provided, single submitter. Criteria: Invitae Variant Classification Sherloc (09022015). Collection method: clinical testing. Allele origin: germline.

All of Us Research Program, National Institutes of Health
Classification: Uncertain significance for Marfan syndrome. Last evaluated: 2023-12-18. Review status: criteria provided, single submitter. Criteria: ACMG Guidelines, 2015. Collection method: clinical testing. Allele origin: germline. Inheritance: Autosomal dominant inheritance. Observed: 2 variant alleles, 2 heterozygotes.
Comment: Variant of Uncertain Significance due to insufficient evidence: This missense variant is located in the calcium-binding EGF-like motif 8 of the FBN1 protein. Computational prediction tools and conservation analyses suggest that this variant may not impact the protein function. Computational splicing tools suggest that this variant may not impact RNA splicing. To our knowledge, functional assays have not been performed for this variant. This variant has been reported in an individual affected with bicuspid aortic valve (PMID: 30255099). This variant has been identified in 1/246060 chromosomes in the general population by the Genome Aggregation Database (gnomAD). Available evidence is insufficient to determine the role of this variant in disease conclusively.

This study involves interpretation of variants in research participants for the purpose of population health screening. Participant phenotype was not available at the time of variant classification. Additional details can be found in publication PMID: 35346344, PMCID: PMC8962531

Color Diagnostics, LLC DBA Color Health
Classification: Uncertain significance for Familial thoracic aortic aneurysm and aortic dissection. Last evaluated: 2023-07-26. Review status: criteria provided, single submitter. Criteria: ACMG Guidelines, 2015. Collection method: clinical testing. Allele origin: germline.
Comment: This missense variant replaces asparagine with serine at codon 542 of the FBN1 protein. Computational prediction suggests that this variant may not impact protein structure and function (internally defined REVEL score threshold <= 0.5, PMID: 27666373). To our knowledge, functional studies have not been reported for this variant. This variant has been reported in an individual affected with bicuspid aortic valve (PMID: 30255099). This variant has been identified in 1/251274 chromosomes in the general population by the Genome Aggregation Database (gnomAD). The available evidence is insufficient to determine the role of this variant in disease conclusively. Therefore, this variant is classified as a Variant of Uncertain Significance.

GeneDx
Classification: Uncertain significance. Last evaluated: 2023-06-05. Review status: criteria provided, single submitter. Criteria: GeneDx Variant Classification Process June 2021. Collection method: clinical testing. Allele origin: germline. Affected: yes.
Comment: Reported in cis with FBN1 p.(K2460R) in a patient with bicuspid aortic valve, TAAD, and additional connective tissue features who also harbored variants in TGFBR3, NOTCH1, and LTBP1; Not observed at significant frequency in large population cohorts (gnomAD); In silico analysis supports that this missense variant does not alter protein structure/function; Although located in a calcium-binding EGF-like domain of the FBN1 gene, it does not affect a cysteine residue within this domain; cysteine substitutions in the calcium-binding EGF-like domains represent the majority of pathogenic missense changes associated with FBN1-related disorders (Collod-Beroud et al., 2003); This variant is associated with the following publications: (PMID: 35451555, 12938084, 30255099)

Mayo Clinic Laboratories, Mayo Clinic
Classification: Uncertain significance. Last evaluated: 2020-09-25. Review status: criteria provided, single submitter. Criteria: ACMG Guidelines, 2015. Collection method: clinical testing. Allele origin: germline. Observed: 1 variant allele.

Literature cited by the submitters: PubMed 30255099 (cited by All of Us Research Program, National Institutes of Health and Color Diagnostics, LLC DBA Color Health).

NM_000138.5(FBN1):c.1625A>G (p.Asn542Ser)

Gene: FBN1 (fibrillin 1; minus strand). Cytogenetic location: 15q21.1.
Variant type: single nucleotide variant.
Coding change: c.1625A>G on transcript NM_000138.5 (MANE Select); coding-DNA position 1625, A replaced by G.
Protein change: p.Asn542Ser; replaces asparagine 542 with serine.
Molecular consequence: missense variant.
Genome position (GRCh38, 1-based): chr15:48,510,133, T>C on the plus strand (A>G on the coding strand, the complement: FBN1 is on the minus strand). VCF-style: chr15-48510133-T-C. GRCh37 (hg19) VCF-style: chr15-48802330-T-C.
Other names: short protein forms N542S.
Identifiers: ClinVar variation 927454 (VCV000927454.17), dbSNP rs963564435, ClinGen allele CA269554436.